The following is an entry in ClinVar:

ClinVar aggregate classification (germline): Likely benign. Review status: criteria provided, multiple submitters, no conflicts (2 of 4 stars). 2 submissions from 2 submitters: Likely benign (2). Last evaluated 2025-08-28.

Conditions:
Primary ciliary dyskinesia. Also called: Ciliary dyskinesia. Identifiers: Orphanet 244, MedGen C0008780, MONDO:0016575, HP:0012265.
CCDC40-related disorder. Also called: CCDC40-related condition.

Allele frequency attached by ClinVar (database versions not stated): gnomAD 0.00015 and 0.00016; 1000 Genomes Project 30x 0.00016; TOPMed 0.00018; 1000 Genomes Project 0.00020; ESP Exome Variant Server 0.00024; ExAC 0.00002; gnomAD exomes 0.00002 and 0.00003.
gnomAD v4.1: 67 of 1,614,130 alleles (0.0042%); highest among the groups gnomAD compares: African/African-American, 0.044%; no homozygotes.

Submissions (2):

PreventionGenetics, part of Exact Sciences
Classification: Likely benign for CCDC40-related condition. Last evaluated: 2025-08-28. Review status: criteria provided, single submitter. Criteria: ACMG Guidelines, 2015. Collection method: clinical testing. Allele origin: germline.
Comment: This variant is classified as likely benign based on ACMG/AMP sequence variant interpretation guidelines (Richards et al. 2015 PMID: 25741868, with internal and published modifications).

Labcorp Genetics (formerly Invitae), Labcorp
Classification: Likely benign for Primary ciliary dyskinesia. Last evaluated: 2025-06-30. Review status: criteria provided, single submitter. Criteria: Invitae Variant Classification Sherloc (09022015). Collection method: clinical testing. Allele origin: germline.

NM_017950.4(CCDC40):c.2601G>A (p.Glu867=)

Gene: CCDC40 (coiled-coil domain 40 molecular ruler complex subunit; plus strand). Cytogenetic location: 17q25.3.
Variant type: single nucleotide variant.
Coding change: c.2601G>A on transcript NM_017950.4 (MANE Select); coding-DNA position 2601, G replaced by A.
Protein change: p.Glu867=; no amino-acid change (glutamic acid 867 retained).
Molecular consequence: synonymous variant.
Genome position (GRCh38, 1-based): chr17:80,087,758, G>A. VCF-style: chr17-80087758-G-A. GRCh37 (hg19) VCF-style: chr17-78061557-G-A.
Other names: c.2601G>A, p.Glu867= (NM_001243342.2).
Identifiers: ClinVar variation 696577 (VCV000696577.12), dbSNP rs200841842, ClinGen allele CA8814246.